The following is an entry in ClinVar:

ClinVar aggregate classification (germline): Conflicting classifications of pathogenicity. Review status: criteria provided, conflicting classifications (1 of 4 stars). 14 submissions from 14 submitters: Uncertain significance (8); Likely benign (2). 4 of the submissions do not count toward it. Last evaluated 2026-08-27.

Conditions:
VPS13B-related disorder. Also called: VPS13B-related condition.
Inborn genetic diseases. Identifiers: MedGen C0950123, MeSH D030342.
Cohen syndrome (COH1). Also called: Cutis verticis gyrata, retinitis pigmentosa, and sensorineural deafness; PEPPER SYNDROME. Identifiers: Orphanet 193, MedGen C0265223, MONDO:0008999, OMIM 216550.
Early onset severe obesity. Identifiers: MedGen C4013980.

Allele frequency attached by ClinVar (database versions not stated): gnomAD exomes 0.00012 and 0.00016; gnomAD 0.00016 and 0.00019; ExAC 0.00018; TOPMed 0.00018; ESP Exome Variant Server 0.00038.
gnomAD v4.1: 207 of 1,613,712 alleles (0.013%); highest among the groups gnomAD compares: Middle Eastern, 0.15%; no homozygotes.

Submissions (14):

PreventionGenetics, part of Exact Sciences
Classification: Uncertain significance for VPS13B-related condition. Last evaluated: 2026-08-27. Review status: criteria provided, single submitter. Criteria: ACMG Guidelines, 2015. Collection method: clinical testing. Allele origin: germline.
Comment: The VPS13B c.2471C>T variant is predicted to result in the amino acid substitution p.Ser824Phe. This variant was reported in the homozygous state in an individual with late‑onset hemophagocytic lymphohistiocytosis; however, this variant was not considered as the primary cause of disease (Zondag et al. 2022. PubMed ID: 35870028). This variant is reported in 0.022% of alleles in individuals of European (Non-Finnish) descent in gnomAD. Of note, a different variant impacting the same amino acid (p.Ser824Ala) was found in the homozygous state in a patient with a mild version of Cohen syndrome; however, it was reported (phase not indicated) in an unaffected family member (Family AU-17800, Yu et al. 2013. PubMed ID: 23352163). At this time, the clinical significance of the c.2471C>T (p.Ser824Phe) variant is uncertain due to the absence of conclusive functional and genetic evidence.

Blueprint Genetics
Classification: Likely benign. Last evaluated: 2024-11-27. Review status: criteria provided, single submitter. Criteria: ACMG Guidelines, 2015. Collection method: clinical testing. Allele origin: germline.

Cambridge Genomics Laboratory, East Genomic Laboratory Hub, NHS Genomic Medicine Service
Classification: Likely benign for Severe early-onset obesity. Last evaluated: 2024-07-09. Review status: criteria provided, single submitter. Criteria: ACGS Best Practice Guidelines for Variant Classification in Rare Disease 2020. Collection method: clinical testing. Allele origin: germline. Affected: yes.
Comment: The p.Ser824Phe variant is not predicted to introduce a novel splice site by any splice site algorithm. The nucleotide c.2471 in VPS13B is not conserved according to a GERP++ and PhyloP analysis of 100 vertebrates. (BP4 - Supporting)

Labcorp Genetics (formerly Invitae), Labcorp
Classification: Uncertain significance for Cohen syndrome. Last evaluated: 2022-09-05. Review status: criteria provided, single submitter. Criteria: Invitae Variant Classification Sherloc (09022015). Collection method: clinical testing. Allele origin: germline.
Comment: This sequence change replaces serine, which is neutral and polar, with phenylalanine, which is neutral and non-polar, at codon 824 of the VPS13B protein (p.Ser824Phe). This variant is present in population databases (rs145419141, gnomAD 0.02%). This variant has not been reported in the literature in individuals affected with VPS13B-related conditions. ClinVar contains an entry for this variant (Variation ID: 290694). Algorithms developed to predict the effect of missense changes on protein structure and function are either unavailable or do not agree on the potential impact of this missense change (SIFT: "Not Available"; PolyPhen-2: "Benign"; Align-GVGD: "Not Available"). In summary, the available evidence is currently insufficient to determine the role of this variant in disease. Therefore, it has been classified as a Variant of Uncertain Significance.

Fulgent Genetics
Classification: Uncertain significance for Cohen syndrome. Last evaluated: 2022-02-16. Review status: criteria provided, single submitter. Criteria: ACMG Guidelines, 2015. Collection method: clinical testing. Allele origin: unknown.

Ambry Genetics
Classification: Uncertain significance for Inborn genetic diseases. Last evaluated: 2021-09-09. Review status: criteria provided, single submitter. Criteria: Ambry Variant Classification Scheme 2023. Collection method: clinical testing. Allele origin: germline.

Genome-Nilou Lab
Classification: Uncertain significance for Cohen syndrome. Last evaluated: 2021-07-22. Review status: criteria provided, single submitter. Criteria: ACMG Guidelines, 2015. Collection method: clinical testing. Allele origin: germline. Affected: no.

CeGaT Center for Human Genetics Tuebingen
Classification: Uncertain significance. Last evaluated: 2020-05-01. Review status: criteria provided, single submitter. Criteria: CeGaT Center For Human Genetics Tuebingen Variant Classification Criteria Version 2. Collection method: clinical testing. Allele origin: germline. Affected: yes. Observed: 2 variant alleles.

Genetic Services Laboratory, University of Chicago
Classification: Uncertain significance. Last evaluated: 2016-12-30. Review status: criteria provided, single submitter. Criteria: ACMG Guidelines, 2015. Collection method: clinical testing. Allele origin: germline. Affected: no.

Eurofins Ntd Llc (ga)
Classification: Uncertain significance. Last evaluated: 2016-08-30. Review status: criteria provided, single submitter. Criteria: EGL Classification Definitions 2015. Collection method: clinical testing. Allele origin: germline. Observed: 1 variant allele, 1 heterozygote.

Natera, Inc.
Classification: Likely benign for Cohen syndrome. Last evaluated: 2020-04-15. Review status: no assertion criteria provided. Collection method: clinical testing. Allele origin: germline. Not counted in ClinVar's aggregate classification.

Clinical Genetics DNA and cytogenetics Diagnostics Lab, Erasmus MC, Erasmus Medical Center
Classification: Uncertain significance. Review status: no assertion criteria provided. Collection method: clinical testing. Allele origin: germline. Affected: yes. Study: VKGL Data-share Consensus. Not counted in ClinVar's aggregate classification.

Department of Pathology and Laboratory Medicine, Sinai Health System
Classification: Uncertain significance. Review status: no assertion criteria provided. Collection method: clinical testing. Allele origin: unknown. Affected: yes. Study: The Canadian Open Genetics Repository (COGR). Not counted in ClinVar's aggregate classification.
Comment: The VPS13B p.Ser824Phe variant was not identified in the literature nor was it identified in LOVD 3.0. The variant was identified in dbSNP (ID: rs145419141) and ClinVar (classified as a VUS by Invitae, EGL Genetics and Genetic Services Laboratory at the University of Chicago). The variant was also identified in control databases in 42 of 282596 chromosomes at a frequency of 0.000149 (Genome Aggregation Database Feb 27, 2017). The variant was observed in the following populations: European (non-Finnish) in 29 of 129016 chromosomes (freq: 0.000225), Latino in 7 of 35434 chromosomes (freq: 0.000198), South Asian in 5 of 30608 chromosomes (freq: 0.000163) and Other in 1 of 7216 chromosomes (freq: 0.000139), but was not observed in the African, Ashkenazi Jewish, East Asian or European (Finnish) populations. The p.Ser824 residue is not conserved in mammals and four out of five computational analyses (PolyPhen-2, SIFT, AlignGVGD, BLOSUM, MutationTaster) do not suggest a high likelihood of impact to the protein; however, this information is not predictive enough to rule out pathogenicity. The variant occurs outside of the splicing consensus sequence and in silico or computational prediction software programs (SpliceSiteFinder, MaxEntScan, NNSPLICE, GeneSplicer) do not predict a difference in splicing. In summary, based on the above information the clinical significance of this variant cannot be determined with certainty at this time. This variant is classified as a variant of uncertain significance.

Laboratory of Diagnostic Genome Analysis, Leiden University Medical Center (LUMC)
Classification: Uncertain significance. Review status: no assertion criteria provided. Collection method: clinical testing. Allele origin: germline. Affected: yes. Study: VKGL Data-share Consensus. Not counted in ClinVar's aggregate classification.

NM_152564.5(VPS13B):c.2471C>T (p.Ser824Phe)

Gene: VPS13B (vacuolar protein sorting 13 homolog B; plus strand). Cytogenetic location: 8q22.2.
Variant type: single nucleotide variant.
Coding change: c.2471C>T on transcript NM_152564.5 (MANE Select); coding-DNA position 2471, C replaced by T.
Protein change: p.Ser824Phe; replaces serine 824 with phenylalanine.
Molecular consequence: missense variant.
Genome position (GRCh38, 1-based): chr8:99,193,013, C>T. VCF-style: chr8-99193013-C-T. GRCh37 (hg19) VCF-style: chr8-100205241-C-T.
Other names: c.2471C>T, p.Ser824Phe (NM_015243.3, NM_017890.5); short protein forms S824F.
Identifiers: ClinVar variation 290694 (VCV000290694.66), dbSNP rs145419141, ClinGen allele CA4822910.